The following is an entry in ClinVar:

ClinVar aggregate classification (germline): Uncertain significance (1 of 4 stars; one submission).

Conditions:
Hereditary cancer-predisposing syndrome. Also called: Neoplastic Syndromes, Hereditary; Tumor predisposition; Hereditary Cancer Syndrome; Hereditary neoplastic syndrome. Identifiers: Orphanet 140162, MedGen C0027672, MeSH D009386, MONDO:0015356.

Submission:

Ambry Genetics
Classification: Uncertain significance for Hereditary cancer-predisposing syndrome. Last evaluated: 2022-01-19. Review status: criteria provided, single submitter. Criteria: Ambry Variant Classification Scheme 2023. Collection method: clinical testing. Allele origin: germline.
Comment: The p.T2841K variant (also known as c.8522C>A), located in coding exon 15 of the APC gene, results from a C to A substitution at nucleotide position 8522. The threonine at codon 2841 is replaced by lysine, an amino acid with similar properties. This amino acid position is conserved. In addition, in silico predictors for this gene do not accurately predict pathogenicity. Since supporting evidence is limited at this time, the clinical significance of this alteration remains unclear.

NM_000038.6(APC):c.8522C>A (p.Thr2841Lys)

Gene: APC (APC regulator of Wnt signaling pathway; plus strand). Cytogenetic location: 5q22.2.
Variant type: single nucleotide variant.
Coding change: c.8522C>A on transcript NM_000038.6 (MANE Select); coding-DNA position 8522, C replaced by A.
Protein change: p.Thr2841Lys; replaces threonine 2841 with lysine.
Molecular consequence: missense variant.
Genome position (GRCh38, 1-based): chr5:112,844,116, C>A. VCF-style: chr5-112844116-C-A. GRCh37 (hg19) VCF-style: chr5-112179813-C-A.
Other names: c.8522C>A, p.Thr2841Lys (NM_001127510.3, NM_001354895.2, NM_001407450.1); c.8468C>A, p.Thr2823Lys (NM_001127511.3); c.8576C>A, p.Thr2859Lys (NM_001354896.2, NM_001407447.1, NM_001407448.1 and 1 more transcripts); c.8552C>A, p.Thr2851Lys (NM_001354897.2); c.8447C>A, p.Thr2816Lys (NM_001354898.2); c.8438C>A, p.Thr2813Lys (NM_001354899.2); c.8399C>A, p.Thr2800Lys (NM_001354900.2); c.8345C>A, p.Thr2782Lys (NM_001354901.2, NM_001407453.1); and 11 more; short protein forms T2558K, T2782K, T2800K, T2813K, T2841K, T2859K, T2740K, T2750K.
Identifiers: ClinVar variation 1763724 (VCV001763724.2), dbSNP rs1766770439, ClinGen allele CA16039812.